The following is an entry in ClinVar:

NM_000135.4(FANCA):c.2297G>A (p.Cys766Tyr)

Gene: FANCA (FA complementation group A; minus strand). Cytogenetic location: 16q24.3.
Variant type: single nucleotide variant.
Coding change: c.2297G>A on transcript NM_000135.4 (MANE Select); coding-DNA position 2297, G replaced by A.
Protein change: p.Cys766Tyr; replaces cysteine 766 with tyrosine.
Molecular consequence: missense variant.
Genome position (GRCh38, 1-based): chr16:89,770,185, C>T on the plus strand (G>A on the coding strand, the complement: FANCA is on the minus strand). VCF-style: chr16-89770185-C-T. GRCh37 (hg19) VCF-style: chr16-89836593-C-T.
Other names: c.2297G>A, p.Cys766Tyr (NM_001286167.3); short protein forms C766Y.
Identifiers: ClinVar variation 3512686 (VCV003512686.1).

ClinVar aggregate classification (germline): Uncertain significance (1 of 4 stars; one submission).

Conditions:
Inborn genetic diseases. Identifiers: MedGen C0950123, MeSH D030342.

gnomAD v4.1: 3 of 1,592,164 alleles (0.00019%); highest among the groups gnomAD compares: African/African-American, 0.0013%; no homozygotes.

Submission:

Ambry Genetics
Classification: Uncertain significance for Inborn genetic diseases. Last evaluated: 2024-11-28. Review status: criteria provided, single submitter. Criteria: Ambry Variant Classification Scheme 2023. Collection method: clinical testing. Allele origin: germline.
Comment: The p.C766Y variant (also known as c.2297G>A), located in coding exon 25 of the FANCA gene, results from a G to A substitution at nucleotide position 2297. The cysteine at codon 766 is replaced by tyrosine, an amino acid with highly dissimilar properties. This amino acid position is conserved. In addition, the in silico prediction for this alteration is inconclusive. Based on the available evidence, the clinical significance of this variant remains unclear.